The following is an entry in ClinVar:

ClinVar aggregate classification (germline): Uncertain significance (1 of 4 stars; one submission).

Conditions:
RAI1-related disorder. Also called: RAI1-related condition.

Submission:

PreventionGenetics, part of Exact Sciences
Classification: Uncertain significance for RAI1-related condition. Last evaluated: 2024-10-28. Review status: criteria provided, single submitter. Criteria: ACMG Guidelines, 2015. Collection method: clinical testing. Allele origin: germline.
Comment: The RAI1 c.2921A>C variant is predicted to result in the amino acid substitution p.Gln974Pro. To our knowledge, this variant has not been reported in the literature or in a large population database (gnomAD), indicating this variant is rare. At this time, the clinical significance of this variant is uncertain due to the absence of conclusive functional and genetic evidence.

NM_030665.4(RAI1):c.2921A>C (p.Gln974Pro)

Gene: RAI1 (retinoic acid induced 1; plus strand). Cytogenetic location: 17p11.2.
Variant type: single nucleotide variant.
Coding change: c.2921A>C on transcript NM_030665.4 (MANE Select); coding-DNA position 2921, A replaced by C.
Protein change: p.Gln974Pro; replaces glutamine 974 with proline.
Molecular consequence: missense variant.
Genome position (GRCh38, 1-based): chr17:17,795,869, A>C. VCF-style: chr17-17795869-A-C. GRCh37 (hg19) VCF-style: chr17-17699183-A-C.
Other names: short protein forms Q974P.
Identifiers: ClinVar variation 5001108 (VCV005001108.1).